The following is an entry in ClinVar:

ClinVar aggregate classification (germline): Likely benign (1 of 4 stars; one submission).

gnomAD v4.1: 42 of 1,611,304 alleles (0.0026%); highest among the groups gnomAD compares: Non-Finnish European, 0.0034%; no homozygotes.

Submission:

CeGaT Center for Human Genetics Tuebingen
Classification: Likely benign. Last evaluated: 2026-06-01. Review status: criteria provided, single submitter. Criteria: CeGaT Center For Human Genetics Tuebingen Variant Classification Criteria Version 2. Collection method: clinical testing. Allele origin: germline. Affected: yes. Observed: 1 variant allele.
Comment: CCDC50: BP4

NM_178335.3(CCDC50):c.1235A>T (p.Glu412Val)

Gene: CCDC50 (coiled-coil domain containing 50; plus strand). Cytogenetic location: 3q28.
Variant type: single nucleotide variant.
Coding change: c.1235A>T on transcript NM_178335.3 (MANE Select); coding-DNA position 1235, A replaced by T.
Protein change: p.Glu412Val; replaces glutamic acid 412 with valine.
Molecular consequence: missense variant.
Genome position (GRCh38, 1-based): chr3:191,380,925, A>T. VCF-style: chr3-191380925-A-T. GRCh37 (hg19) VCF-style: chr3-191098714-A-T.
Other names: c.707A>T, p.Glu236Val (NM_174908.4); short protein forms E236V, E412V.
Identifiers: ClinVar variation 4874086 (VCV004874086.2).